The following is an entry in ClinVar:

NM_002755.4(MAP2K1):c.950T>C (p.Ile317Thr)

Gene: MAP2K1 (mitogen-activated protein kinase kinase 1; plus strand). Cytogenetic location: 15q22.31.
Variant type: single nucleotide variant.
Coding change: c.950T>C on transcript NM_002755.4 (MANE Select); coding-DNA position 950, T replaced by C.
Protein change: p.Ile317Thr; replaces isoleucine 317 with threonine.
Molecular consequence: missense variant.
Genome position (GRCh38, 1-based): chr15:66,487,282, T>C. VCF-style: chr15-66487282-T-C. GRCh37 (hg19) VCF-style: chr15-66779620-T-C.
Other names: c.806T>C, p.Ile269Thr (NM_001411065.1); short protein forms I317T, I269T.
Identifiers: ClinVar variation 1767225 (VCV001767225.4), dbSNP rs2545103951, ClinGen allele CA392937586.

ClinVar aggregate classification (germline): Uncertain significance. Review status: criteria provided, multiple submitters, no conflicts (2 of 4 stars). 2 submissions from 2 submitters: Uncertain significance (2). Last evaluated 2024-10-09.

Conditions:
Cardiovascular phenotype. Identifiers: MedGen CN230736.
RASopathy. Also called: rasopathies; Noonan spectrum disorder. Identifiers: Orphanet 536391, MedGen C5555857, MONDO:0021060.

Submissions (2):

Labcorp Genetics (formerly Invitae), Labcorp
Classification: Uncertain significance for RASopathy. Last evaluated: 2024-10-09. Review status: criteria provided, single submitter. Criteria: Invitae Variant Classification Sherloc (09022015). Collection method: clinical testing. Allele origin: germline.
Comment: This sequence change replaces isoleucine, which is neutral and non-polar, with threonine, which is neutral and polar, at codon 317 of the MAP2K1 protein (p.Ile317Thr). This variant is not present in population databases (gnomAD no frequency). This variant has not been reported in the literature in individuals affected with MAP2K1-related conditions. ClinVar contains an entry for this variant (Variation ID: 1767225). Invitae Evidence Modeling of protein sequence and biophysical properties (such as structural, functional, and spatial information, amino acid conservation, physicochemical variation, residue mobility, and thermodynamic stability) has been performed for this missense variant. However, the output from this modeling did not meet the statistical confidence thresholds required to predict the impact of this variant on MAP2K1 protein function. In summary, the available evidence is currently insufficient to determine the role of this variant in disease. Therefore, it has been classified as a Variant of Uncertain Significance.

Ambry Genetics
Classification: Uncertain significance for Cardiovascular phenotype. Last evaluated: 2022-01-10. Review status: criteria provided, single submitter. Criteria: Ambry Variant Classification Scheme 2023. Collection method: clinical testing. Allele origin: germline.
Comment: The p.I317T variant (also known as c.950T>C), located in coding exon 8 of the MAP2K1 gene, results from a T to C substitution at nucleotide position 950. The isoleucine at codon 317 is replaced by threonine, an amino acid with similar properties. This amino acid position is conserved. In addition, this alteration is predicted to be deleterious by in silico analysis. Since supporting evidence is limited at this time, the clinical significance of this alteration remains unclear.